The following is an entry in ClinVar:

NM_001048201.3(UHRF1):c.570-16C>T

Genes: MIR4747 (microRNA 4747; plus strand), UHRF1 (ubiquitin like with PHD and ring finger domains 1; plus strand). Cytogenetic location: 19p13.3.
Variant type: single nucleotide variant.
Coding change: c.570-16C>T on transcript NM_001048201.3 (MANE Select); 16 bases into the intron before coding-DNA position 570, C replaced by T.
Molecular consequence: intron variant. On other transcripts: non-coding transcript variant (1).
Genome position (GRCh38, 1-based): chr19:4,932,725, C>T. VCF-style: chr19-4932725-C-T. GRCh37 (hg19) VCF-style: chr19-4932737-C-T.
Other names: c.570-16C>T (NM_001290050.2, NM_001290051.2, NM_001290052.2); c.609-16C>T (NM_013282.5).
Identifiers: ClinVar variation 5038546 (VCV005038546.1).

ClinVar aggregate classification (germline): Likely benign (1 of 4 stars; one submission).

gnomAD v4.1: 9,880 of 1,612,972 alleles (0.61%); highest among the groups gnomAD compares: Non-Finnish European, 0.78%; 42 homozygotes.

Submission:

CeGaT Center for Human Genetics Tuebingen
Classification: Likely benign. Last evaluated: 2026-08-01. Review status: criteria provided, single submitter. Criteria: CeGaT Center For Human Genetics Tuebingen Variant Classification Criteria Version 2. Collection method: clinical testing. Allele origin: germline. Affected: yes. Observed: 1 variant allele.
Comment: MIR4747: BS2